The following is an entry in ClinVar:

ClinVar aggregate classification (germline): Likely benign (0 of 4 stars; one submission).

Conditions:
ADAMTS6-related disorder. Also called: ADAMTS6-related condition.

Allele frequency attached by ClinVar (database versions not stated): gnomAD exomes 0.00006; gnomAD 0.00012; TOPMed 0.00012; ExAC 0.00031; 1000 Genomes Project 0.00060; 1000 Genomes Project 30x 0.00062.
gnomAD v4.1: 140 of 1,613,390 alleles (0.0087%); highest among the groups gnomAD compares: East Asian, 0.2%; 1 homozygote.

Submission:

PreventionGenetics, part of Exact Sciences
Classification: Likely benign for ADAMTS6-related condition. Last evaluated: 2022-03-18. Review status: no assertion criteria provided. Collection method: clinical testing. Allele origin: germline.
Comment: This variant is classified as likely benign based on ACMG/AMP sequence variant interpretation guidelines (Richards et al. 2015 PMID: 25741868, with internal and published modifications).

NM_197941.4(ADAMTS6):c.653C>T (p.Pro218Leu)

Gene: ADAMTS6 (ADAM metallopeptidase with thrombospondin type 1 motif 6; minus strand). Cytogenetic location: 5q12.3.
Variant type: single nucleotide variant.
Coding change: c.653C>T on transcript NM_197941.4 (MANE Select); coding-DNA position 653, C replaced by T.
Protein change: p.Pro218Leu; replaces proline 218 with leucine.
Molecular consequence: missense variant. On other transcripts: non-coding transcript variant (1).
Genome position (GRCh38, 1-based): chr5:65,452,897, G>A on the plus strand (C>T on the coding strand, the complement: ADAMTS6 is on the minus strand). VCF-style: chr5-65452897-G-A. GRCh37 (hg19) VCF-style: chr5-64748724-G-A.
Other names: short protein forms P218L.
Identifiers: ClinVar variation 3046812 (VCV003046812.2), dbSNP rs368191265, ClinGen allele CA3283056.